The following is an entry in ClinVar:

ClinVar aggregate classification (germline): Uncertain significance (1 of 4 stars; one submission).

gnomAD v4.1: 14 of 1,613,608 alleles (0.00087%); highest among the groups gnomAD compares: East Asian, 0.0022%; no homozygotes.

Submission:

CeGaT Center for Human Genetics Tuebingen
Classification: Uncertain significance. Last evaluated: 2026-06-01. Review status: criteria provided, single submitter. Criteria: CeGaT Center For Human Genetics Tuebingen Variant Classification Criteria Version 2. Collection method: clinical testing. Allele origin: germline. Affected: yes. Observed: 1 variant allele.
Comment: HK1: PM2

NM_001358263.1(HK1):c.20G>A (p.Arg7Gln)

Gene: HK1 (hexokinase 1; plus strand). Cytogenetic location: 10q22.1.
Variant type: single nucleotide variant.
Coding change: c.20G>A on transcript NM_001358263.1 (MANE Plus Clinical); coding-DNA position 20, G replaced by A.
Protein change: p.Arg7Gln; replaces arginine 7 with glutamine.
Molecular consequence: missense variant. On other transcripts: 5 prime UTR variant (1).
Genome position (GRCh38, 1-based): chr10:69,288,763, G>A. VCF-style: chr10-69288763-G-A. GRCh37 (hg19) VCF-style: chr10-71048519-G-A.
Other names: c.20G>A, p.Arg7Gln (NM_001322364.2, NM_001322365.2, NM_033497.3 and 1 more transcripts); c.-122G>A (NM_033500.2); short protein forms R7Q.
Identifiers: ClinVar variation 4875093 (VCV004875093.2).